The following is an entry in ClinVar:

NM_021076.4(NEFH):c.1941G>C (p.Lys647Asn)

Gene: NEFH (neurofilament heavy chain; plus strand). Cytogenetic location: 22q12.2.
Variant type: single nucleotide variant.
Coding change: c.1941G>C on transcript NM_021076.4 (MANE Select); coding-DNA position 1941, G replaced by C.
Protein change: p.Lys647Asn; replaces lysine 647 with asparagine.
Molecular consequence: missense variant.
Genome position (GRCh38, 1-based): chr22:29,489,581, G>C. VCF-style: chr22-29489581-G-C. GRCh37 (hg19) VCF-style: chr22-29885570-G-C.
Other names: p.Lys647Asn; short protein forms K647N.
Identifiers: ClinVar variation 789680 (VCV000789680.21), dbSNP rs200634512, ClinGen allele CA10174305.

ClinVar aggregate classification (germline): Benign/Likely benign. Review status: criteria provided, multiple submitters, no conflicts (2 of 4 stars). 6 submissions from 6 submitters: Benign (4); Likely benign (2). Last evaluated 2026-03-18.

Conditions:
NEFH-related disorder. Also called: NEFH-related condition.

Allele frequency attached by ClinVar (database versions not stated): gnomAD exomes 0.00025 and 0.00078; ExAC 0.00114; 1000 Genomes Project 0.00260; 1000 Genomes Project 30x 0.00328; gnomAD 0.00369 and 0.00407; TOPMed 0.00488.
gnomAD v4.1: 939 of 1,612,722 alleles (0.058%); highest among the groups gnomAD compares: African/African-American, 1.1%; 8 homozygotes.

Submissions (6):

PreventionGenetics, part of Exact Sciences
Classification: Benign for NEFH-related condition. Last evaluated: 2026-03-18. Review status: criteria provided, single submitter. Criteria: ACMG Guidelines, 2015. Collection method: clinical testing. Allele origin: germline.
Comment: This variant is classified as benign based on ACMG/AMP sequence variant interpretation guidelines (Richards et al. 2015 PMID: 25741868, with internal and published modifications).

Labcorp Genetics (formerly Invitae), Labcorp
Classification: Benign. Last evaluated: 2025-12-29. Review status: criteria provided, single submitter. Criteria: Invitae Variant Classification Sherloc (09022015). Collection method: clinical testing. Allele origin: germline.

CeGaT Center for Human Genetics Tuebingen
Classification: Likely benign. Last evaluated: 2025-08-01. Review status: criteria provided, single submitter. Criteria: CeGaT Center For Human Genetics Tuebingen Variant Classification Criteria Version 2. Collection method: clinical testing. Allele origin: germline. Affected: yes. Observed: 1 variant allele.
Comment: NEFH: PP2, BS1

Mayo Clinic Laboratories, Mayo Clinic
Classification: Benign. Last evaluated: 2023-12-07. Review status: criteria provided, single submitter. Criteria: ACMG Guidelines, 2015. Collection method: clinical testing. Allele origin: germline. Observed: 4 variant alleles.
Comment: BA1, BS2

GeneDx
Classification: Likely benign. Last evaluated: 2021-05-26. Review status: criteria provided, single submitter. Criteria: GeneDx Variant Classification Process June 2021. Collection method: clinical testing. Allele origin: germline. Affected: yes.
Comment: See Variant Classification Assertion Criteria.

Breakthrough Genomics
Classification: Benign. Review status: criteria provided, single submitter. Criteria: ACMG Guidelines, 2015. Collection method: not provided. Allele origin: germline. Inheritance: Autosomal recessive inheritance. Affected: yes.

Literature cited by the submitters: PubMed 33754899 (cited by Mayo Clinic Laboratories, Mayo Clinic).